The following is an entry in ClinVar:

NM_001099922.3(ALG13):c.3385G>C (p.Ala1129Pro)

Gene: ALG13 (ALG13 UDP-N-acetylglucosaminyltransferase subunit; plus strand). Cytogenetic location: Xq23.
Variant type: single nucleotide variant.
Coding change: c.3385G>C on transcript NM_001099922.3 (MANE Select); coding-DNA position 3385, G replaced by C.
Protein change: p.Ala1129Pro; replaces alanine 1129 with proline.
Molecular consequence: missense variant. On other transcripts: non-coding transcript variant (1).
Genome position (GRCh38, 1-based): chrX:111,759,970, G>C. VCF-style: chrX-111759970-G-C. GRCh37 (hg19) VCF-style: chrX-111003198-G-C.
Other names: c.2836G>C, p.Ala946Pro (NM_001257230.2, NM_001257234.2, NM_001257237.2); c.3151G>C, p.Ala1051Pro (NM_001257231.2); c.3148G>C, p.Ala1050Pro (NM_001324292.2); c.2662G>C, p.Ala888Pro (NM_001324293.1); short protein forms A1050P, A1051P, A1129P, A888P, A946P.
Identifiers: ClinVar variation 3372972 (VCV003372972.1).

ClinVar aggregate classification (germline): Uncertain significance (1 of 4 stars; one submission).

gnomAD v4.1: 5 of 1,210,672 alleles (0.00041%); highest among the groups gnomAD compares: Non-Finnish European, 0.00056%; no homozygotes.

Submission:

GeneDx
Classification: Uncertain significance. Last evaluated: 2024-04-30. Review status: criteria provided, single submitter. Criteria: GeneDx Variant Classification Process June 2021. Collection method: clinical testing. Allele origin: germline. Affected: yes.
Comment: Not observed at significant frequency in large population cohorts (gnomAD); In silico analysis indicates that this missense variant does not alter protein structure/function; Has not been previously published as pathogenic or benign to our knowledge